The following is an entry in ClinVar:

NM_003073.5(SMARCB1):c.500+10C>T

Gene: SMARCB1 (SWI/SNF related BAF chromatin remodeling complex subunit B1; plus strand). Cytogenetic location: 22q11.23.
Variant type: single nucleotide variant.
Coding change: c.500+10C>T on transcript NM_003073.5 (MANE Select); 10 bases into the intron after coding-DNA position 500, C replaced by T.
Molecular consequence: intron variant. On other transcripts: synonymous variant (2).
Genome position (GRCh38, 1-based): chr22:23,801,091, C>T. VCF-style: chr22-23801091-C-T. GRCh37 (hg19) VCF-style: chr22-24143278-C-T.
Other names: c.483C>T, p.Cys161= (NM_001317946.2); c.510C>T, p.Cys170= (NM_001362877.2); c.473+10C>T (NM_001007468.3).
Identifiers: ClinVar variation 1026994 (VCV001026994.8), dbSNP rs773391973, ClinGen allele CA10145925.

ClinVar aggregate classification (germline): Uncertain significance (1 of 4 stars; one submission).

Allele frequency attached by ClinVar (database versions not stated): ExAC 0.00001; gnomAD 0.00002; TOPMed 0.00003.
gnomAD v4.1: 3 of 1,614,092 alleles (0.00019%); highest among the groups gnomAD compares: African/African-American, 0.0027%; no homozygotes.

Submission:

Labcorp Genetics (formerly Invitae), Labcorp
Classification: Uncertain significance. Last evaluated: 2023-10-15. Review status: criteria provided, single submitter. Criteria: Invitae Variant Classification Sherloc (09022015). Collection method: clinical testing. Allele origin: germline.
Comment: This sequence change falls in intron 4 of the SMARCB1 gene. It does not directly change the encoded amino acid sequence of the SMARCB1 protein. This variant is present in population databases (rs773391973, gnomAD 0.007%). This variant has not been reported in the literature in individuals affected with SMARCB1-related conditions. ClinVar contains an entry for this variant (Variation ID: 1026994). Algorithms developed to predict the effect of sequence changes on RNA splicing suggest that this variant may create or strengthen a splice site. In summary, the available evidence is currently insufficient to determine the role of this variant in disease. Therefore, it has been classified as a Variant of Uncertain Significance.